The following is an entry in ClinVar:

ClinVar aggregate classification (germline): Uncertain significance (1 of 4 stars; one submission).

Conditions:
Inborn genetic diseases. Identifiers: MedGen C0950123, MeSH D030342.

Allele frequency attached by ClinVar (database versions not stated): gnomAD exomes below 0.00001.
gnomAD v4.1: 1 of 1,614,018 alleles (0.000062%); highest among the groups gnomAD compares: African/African-American, 0.0013%; no homozygotes.

Submission:

Ambry Genetics
Classification: Uncertain significance for Inborn genetic diseases. Last evaluated: 2024-07-11. Review status: criteria provided, single submitter. Criteria: Ambry Variant Classification Scheme 2023. Collection method: clinical testing. Allele origin: germline.
Comment: The p.F647S variant (also known as c.1940T>C), located in coding exon 12 of the EPAS1 gene, results from a T to C substitution at nucleotide position 1940. The phenylalanine at codon 647 is replaced by serine, an amino acid with highly dissimilar properties. This amino acid position is conserved. In addition, this alteration is predicted to be tolerated by in silico analysis. Since supporting evidence is limited at this time, the clinical significance of this alteration remains unclear.

NM_001430.5(EPAS1):c.1940T>C (p.Phe647Ser)

Gene: EPAS1 (endothelial PAS domain protein 1; plus strand). Cytogenetic location: 2p21.
Variant type: single nucleotide variant.
Coding change: c.1940T>C on transcript NM_001430.5 (MANE Select); coding-DNA position 1940, T replaced by C.
Protein change: p.Phe647Ser; replaces phenylalanine 647 with serine.
Molecular consequence: missense variant.
Genome position (GRCh38, 1-based): chr2:46,380,612, T>C. VCF-style: chr2-46380612-T-C. GRCh37 (hg19) VCF-style: chr2-46607751-T-C.
Other names: short protein forms F647S.
Identifiers: ClinVar variation 1783052 (VCV001783052.3), dbSNP rs2546477698, ClinGen allele CA346705198.
Genomic context (GRCh38, chr2:46,380,612, plus strand): 5'-CTCTCTCTTCCATGGGGGGCAGATCCAATACCCAGTGGCCCCCAGATCCACCATTACATT[T>C]TGGGCCCACAAAGTGGGCCGTCGGGGATCAGCGCACAGAGTTCTTGGGAGCAGCGCCGTT-3'
Protein context (NP_001421.2, residues 637-657): TQWPPDPPLH[Phe647Ser]GPTKWAVGDQ